The following is an entry in ClinVar:

NM_001130987.2(DYSF):c.3085+1G>A

Gene: DYSF (dysferlin; plus strand). Cytogenetic location: 2p13.2.
Variant type: single nucleotide variant.
Coding change: c.3085+1G>A on transcript NM_001130987.2 (MANE Select); the canonical splice donor site of the intron after coding-DNA position 3085, G replaced by A.
Molecular consequence: splice donor variant.
Genome position (GRCh38, 1-based): chr2:71,570,335, G>A. VCF-style: chr2-71570335-G-A. GRCh37 (hg19) VCF-style: chr2-71797465-G-A.
Other names: c.2989+1G>A (NM_001130976.2, NM_001130977.2); c.3127+1G>A (NM_001130982.2); c.3085+1G>A (NM_001130985.2); c.3034+1G>A (NM_001130983.2, NM_001130455.2); c.2992+1G>A (NM_001130984.2, NM_001130986.2); c.3124+1G>A (NM_001130979.2); c.3082+1G>A (NM_001130981.2, NM_001130980.2); c.3031+1G>A (NM_001130978.2, NM_003494.4).
Identifiers: ClinVar variation 1686650 (VCV001686650.9), dbSNP rs1553555585, ClinGen allele CA347216876.

ClinVar aggregate classification (germline): Pathogenic/Likely pathogenic. Review status: criteria provided, multiple submitters, no conflicts (2 of 4 stars). 2 submissions from 2 submitters: Pathogenic (1); Likely pathogenic (1). Last evaluated 2023-10-22.

Conditions:
Neuromuscular disease caused by qualitative or quantitative defects of dysferlin. Also called: Qualitative or quantitative defects of dysferlin; Dysferlinopathy. Identifiers: Orphanet 207073, MedGen C2931687, MONDO:0016145.

Allele frequency attached by ClinVar (database versions not stated): gnomAD exomes below 0.00001.
gnomAD v4.1: 2 of 1,613,950 alleles (0.00012%); highest among the groups gnomAD compares: African/African-American, 0.0013%; no homozygotes.

Submissions (2):

Labcorp Genetics (formerly Invitae), Labcorp
Classification: Pathogenic for Neuromuscular disease caused by qualitative or quantitative defects of dysferlin. Last evaluated: 2023-10-22. Review status: criteria provided, single submitter. Criteria: Invitae Variant Classification Sherloc (09022015). Collection method: clinical testing. Allele origin: germline.
Comment: This sequence change affects a donor splice site in intron 28 of the DYSF gene. It is expected to disrupt RNA splicing. Variants that disrupt the donor or acceptor splice site typically lead to a loss of protein function (PMID: 16199547), and loss-of-function variants in DYSF are known to be pathogenic (PMID: 17698709, 20301480). This variant is not present in population databases (gnomAD no frequency). Disruption of this splice site has been observed in individuals with DYSF-related conditions (PMID: 18853459, 23406536, 26444858). It has also been observed to segregate with disease in related individuals. ClinVar contains an entry for this variant (Variation ID: 1686650). Algorithms developed to predict the effect of sequence changes on RNA splicing suggest that this variant may disrupt the consensus splice site. For these reasons, this variant has been classified as Pathogenic.

Mayo Clinic Laboratories, Mayo Clinic
Classification: Likely pathogenic. Last evaluated: 2021-07-27. Review status: criteria provided, single submitter. Criteria: ACMG Guidelines, 2015. Collection method: clinical testing. Allele origin: germline.
Comment: PM2, PVS1

Literature cited by the submitters: PubMed 16199547 (cited by Labcorp Genetics (formerly Invitae), Labcorp); PubMed 17698709 (cited by Labcorp Genetics (formerly Invitae), Labcorp); PubMed 20301480 (cited by Labcorp Genetics (formerly Invitae), Labcorp); PubMed 18853459 (cited by Labcorp Genetics (formerly Invitae), Labcorp); PubMed 23406536 (cited by Labcorp Genetics (formerly Invitae), Labcorp); PubMed 26444858 (cited by Labcorp Genetics (formerly Invitae), Labcorp).